The following is an entry in ClinVar:

NM_000038.6(APC):c.7153T>G (p.Ser2385Ala)

Gene: APC (APC regulator of Wnt signaling pathway; plus strand). Cytogenetic location: 5q22.2.
Variant type: single nucleotide variant.
Coding change: c.7153T>G on transcript NM_000038.6 (MANE Select); coding-DNA position 7153, T replaced by G.
Protein change: p.Ser2385Ala; replaces serine 2385 with alanine.
Molecular consequence: missense variant.
Genome position (GRCh38, 1-based): chr5:112,842,747, T>G. VCF-style: chr5-112842747-T-G. GRCh37 (hg19) VCF-style: chr5-112178444-T-G.
Other names: c.7153T>G, p.Ser2385Ala (NM_001127510.3, NM_001354895.2); c.7099T>G, p.Ser2367Ala (NM_001127511.3); c.7207T>G, p.Ser2403Ala (NM_001354896.2); c.7183T>G, p.Ser2395Ala (NM_001354897.2); c.7078T>G, p.Ser2360Ala (NM_001354898.2); c.7069T>G, p.Ser2357Ala (NM_001354899.2); c.7030T>G, p.Ser2344Ala (NM_001354900.2); c.6976T>G, p.Ser2326Ala (NM_001354901.2); and 5 more; short protein forms S2344A, S2360A, S2284A, S2294A, S2367A, S2225A, S2357A, S2385A.
Identifiers: ClinVar variation 1482855 (VCV001482855.8), dbSNP rs2149981094, ClinGen allele CA16036908.

ClinVar aggregate classification (germline): Uncertain significance (1 of 4 stars; one submission).

Conditions:
Familial adenomatous polyposis 1 (FAP1). Also called: FAMILIAL ADENOMATOUS POLYPOSIS 1, ATTENUATED; POLYPOSIS, ADENOMATOUS INTESTINAL. Identifiers: MedGen C2713442, MONDO:0021056, OMIM 175100. Disease mechanism: loss of function.

Submission:

Labcorp Genetics (formerly Invitae), Labcorp
Classification: Uncertain significance for Familial adenomatous polyposis 1. Last evaluated: 2021-07-26. Review status: criteria provided, single submitter. Criteria: Invitae Variant Classification Sherloc (09022015). Collection method: clinical testing. Allele origin: germline.
Comment: This variant has not been reported in the literature in individuals affected with APC-related conditions. In summary, the available evidence is currently insufficient to determine the role of this variant in disease. Therefore, it has been classified as a Variant of Uncertain Significance. Algorithms developed to predict the effect of missense changes on protein structure and function (SIFT, PolyPhen-2, Align-GVGD) all suggest that this variant is likely to be tolerated. This variant is not present in population databases (ExAC no frequency). This sequence change replaces serine with alanine at codon 2385 of the APC protein (p.Ser2385Ala). The serine residue is moderately conserved and there is a moderate physicochemical difference between serine and alanine.